The following is an entry in ClinVar:

ClinVar aggregate classification (germline): Uncertain significance (1 of 4 stars; one submission).

Allele frequency attached by ClinVar (database versions not stated): gnomAD 0.00001; ExAC 0.00002; gnomAD exomes 0.00002; TOPMed 0.00003.
gnomAD v4.1: 11 of 1,605,136 alleles (0.00069%); highest among the groups gnomAD compares: African/African-American, 0.0013%; no homozygotes.

Submission:

Labcorp Genetics (formerly Invitae), Labcorp
Classification: Uncertain significance. Last evaluated: 2022-07-26. Review status: criteria provided, single submitter. Criteria: Invitae Variant Classification Sherloc (09022015). Collection method: clinical testing. Allele origin: germline.
Comment: In summary, the available evidence is currently insufficient to determine the role of this variant in disease. Therefore, it has been classified as a Variant of Uncertain Significance. Algorithms developed to predict the effect of missense changes on protein structure and function (SIFT, PolyPhen-2, Align-GVGD) all suggest that this variant is likely to be tolerated. ClinVar contains an entry for this variant (Variation ID: 1424028). This variant has not been reported in the literature in individuals affected with RGS9-related conditions. This variant is present in population databases (rs746934046, gnomAD 0.004%). This sequence change replaces leucine, which is neutral and non-polar, with proline, which is neutral and non-polar, at codon 621 of the RGS9 protein (p.Leu621Pro).

NM_003835.4(RGS9):c.1862T>C (p.Leu621Pro)

Gene: RGS9 (regulator of G protein signaling 9; plus strand). Cytogenetic location: 17q24.1.
Variant type: single nucleotide variant.
Coding change: c.1862T>C on transcript NM_003835.4 (MANE Select); coding-DNA position 1862, T replaced by C.
Protein change: p.Leu621Pro; replaces leucine 621 with proline.
Molecular consequence: missense variant.
Genome position (GRCh38, 1-based): chr17:65,225,456, T>C. VCF-style: chr17-65225456-T-C. GRCh37 (hg19) VCF-style: chr17-63221574-T-C.
Other names: c.1853T>C, p.Leu618Pro (NM_001081955.3); short protein forms L618P, L621P.
Identifiers: ClinVar variation 1424028 (VCV001424028.6), dbSNP rs746934046, ClinGen allele CA8718161.